The following is an entry in ClinVar:

NM_001276270.2(MBD4):c.854A>C (p.Asp285Ala)

Gene: MBD4 (methyl-CpG binding domain 4, DNA glycosylase; minus strand). Cytogenetic location: 3q21.3.
Variant type: single nucleotide variant.
Coding change: c.854A>C on transcript NM_001276270.2 (MANE Select); coding-DNA position 854, A replaced by C.
Protein change: p.Asp285Ala; replaces aspartic acid 285 with alanine.
Molecular consequence: missense variant. On other transcripts: intron variant (1).
Genome position (GRCh38, 1-based): chr3:129,436,790, T>G on the plus strand (A>C on the coding strand, the complement: MBD4 is on the minus strand). VCF-style: chr3-129436790-T-G. GRCh37 (hg19) VCF-style: chr3-129155633-T-G.
Other names: c.854A>C, p.Asp285Ala (NM_001276271.2, NM_001276272.2, NM_003925.3); c.247+1018A>C (NM_001276273.2); short protein forms D285A.
Identifiers: ClinVar variation 5024035 (VCV005024035.1).

ClinVar aggregate classification (germline): Uncertain significance (1 of 4 stars; one submission).

Conditions:
Inborn genetic diseases. Identifiers: MedGen C0950123, MeSH D030342.

Submission:

Ambry Genetics
Classification: Uncertain significance for Inborn genetic diseases. Last evaluated: 2026-08-16. Review status: criteria provided, single submitter. Criteria: Ambry Variant Classification Scheme 2023. Collection method: clinical testing. Allele origin: germline.
Comment: The p.D285A variant (also known as c.854A>C), located in coding exon 3 of the MBD4 gene, results from an A to C substitution at nucleotide position 854. The aspartic acid at codon 285 is replaced by alanine, an amino acid with dissimilar properties. This amino acid position is conserved. In addition, this alteration is predicted to be tolerated by in silico analysis. Based on the available evidence, the clinical significance of this variant remains unclear.